The following is an entry in ClinVar:

NM_000465.4(BARD1):c.742G>A (p.Val248Ile)

Gene: BARD1 (BRCA1 associated RING domain 1; minus strand). Cytogenetic location: 2q35.
Variant type: single nucleotide variant.
Coding change: c.742G>A on transcript NM_000465.4 (MANE Select); coding-DNA position 742, G replaced by A.
Protein change: p.Val248Ile; replaces valine 248 with isoleucine.
Molecular consequence: missense variant. On other transcripts: non-coding transcript variant (2), intron variant (3).
Genome position (GRCh38, 1-based): chr2:214,781,132, C>T on the plus strand (G>A on the coding strand, the complement: BARD1 is on the minus strand). VCF-style: chr2-214781132-C-T. GRCh37 (hg19) VCF-style: chr2-215645856-C-T.
Other names: c.685G>A, p.Val229Ile (NM_001282543.2); c.158+28280G>A (NM_001282548.2); c.215+15929G>A (NM_001282545.2); c.364+11165G>A (NM_001282549.2); c.742G>A (NM_000465.2); short protein forms V229I, V248I.
Identifiers: ClinVar variation 647362 (VCV000647362.14), dbSNP rs1574819641, ClinGen allele CA350456106.

ClinVar aggregate classification (germline): Uncertain significance. Review status: criteria provided, multiple submitters, no conflicts (2 of 4 stars). 3 submissions from 3 submitters: Uncertain significance (3). Last evaluated 2024-04-22.

Conditions:
Hereditary cancer-predisposing syndrome. Also called: Hereditary Cancer Syndrome; Tumor predisposition; Hereditary neoplastic syndrome; Neoplastic Syndromes, Hereditary. Identifiers: Orphanet 140162, MedGen C0027672, MeSH D009386, MONDO:0015356.
Familial cancer of breast. Also called: hereditary breast carcinoma; Hereditary breast cancer; BREAST CANCER, FAMILIAL. Identifiers: Orphanet 227535, MedGen C0346153, MONDO:0016419, OMIM 114480. Disease mechanism: loss of function.

Submissions (3):

Labcorp Genetics (formerly Invitae), Labcorp
Classification: Uncertain significance for Familial cancer of breast. Last evaluated: 2024-04-22. Review status: criteria provided, single submitter. Criteria: Invitae Variant Classification Sherloc (09022015). Collection method: clinical testing. Allele origin: germline.
Comment: This sequence change replaces valine, which is neutral and non-polar, with isoleucine, which is neutral and non-polar, at codon 248 of the BARD1 protein (p.Val248Ile). This variant is not present in population databases (gnomAD no frequency). This variant has not been reported in the literature in individuals affected with BARD1-related conditions. ClinVar contains an entry for this variant (Variation ID: 647362). Algorithms developed to predict the effect of missense changes on protein structure and function output the following: SIFT: "Not Available"; PolyPhen-2: "Benign"; Align-GVGD: "Not Available". The isoleucine amino acid residue is found in multiple mammalian species, which suggests that this missense change does not adversely affect protein function. In summary, the available evidence is currently insufficient to determine the role of this variant in disease. Therefore, it has been classified as a Variant of Uncertain Significance.

Color Diagnostics, LLC DBA Color Health
Classification: Uncertain significance for Hereditary cancer-predisposing syndrome. Last evaluated: 2023-12-04. Review status: criteria provided, single submitter. Criteria: ACMG Guidelines, 2015. Collection method: clinical testing. Allele origin: germline.
Comment: This missense variant replaces valine with isoleucine at codon 248 of the BARD1 protein. Computational prediction suggests that this variant may not impact protein structure and function (internally defined REVEL score threshold <= 0.5, PMID: 27666373). To our knowledge, functional studies have not been reported for this variant. This variant has not been reported in individuals affected with BARD1-related disorders in the literature. This variant has not been identified in the general population by the Genome Aggregation Database (gnomAD). The available evidence is insufficient to determine the role of this variant in disease conclusively. Therefore, this variant is classified as a Variant of Uncertain Significance.

Ambry Genetics
Classification: Uncertain significance for Hereditary cancer-predisposing syndrome. Last evaluated: 2023-06-14. Review status: criteria provided, single submitter. Criteria: Ambry Variant Classification Scheme 2023. Collection method: clinical testing. Allele origin: germline.
Comment: The p.V248I variant (also known as c.742G>A), located in coding exon 4 of the BARD1 gene, results from a G to A substitution at nucleotide position 742. The valine at codon 248 is replaced by isoleucine, an amino acid with highly similar properties. This amino acid position is conserved. In addition, this alteration is predicted to be tolerated by in silico analysis. Since supporting evidence is limited at this time, the clinical significance of this alteration remains unclear.